The following is an entry in ClinVar:

NM_003743.5(NCOA1):c.1047T>C (p.Pro349=)

Gene: NCOA1 (nuclear receptor coactivator 1; plus strand). Cytogenetic location: 2p23.3.
Variant type: single nucleotide variant.
Coding change: c.1047T>C on transcript NM_003743.5 (MANE Select); coding-DNA position 1047, T replaced by C.
Protein change: p.Pro349=; no amino-acid change (proline 349 retained).
Molecular consequence: synonymous variant.
Genome position (GRCh38, 1-based): chr2:24,705,183, T>C. VCF-style: chr2-24705183-T-C. GRCh37 (hg19) VCF-style: chr2-24928052-T-C.
Other names: c.1047T>C, p.Pro349= (NM_001362950.1, NM_001362952.1, NM_001362954.1 and 3 more transcripts).
Identifiers: ClinVar variation 3353540 (VCV003353540.1).
Genomic context (GRCh38, chr2:24,705,183, plus strand): 5'-ATTCATATTGAATGATGGGACAATGCTTAGCGCCCACACCAAGTGTAAACTTTGCTACCC[T>C]CAAAGTCCAGACATGCAACCTTTCATCATGGGAATTCATATCATCGACAGGTACTACTTA-3'
Protein context (NP_003734.3, residues 339-359): SAHTKCKLCY[Pro349=]QSPDMQPFIM

ClinVar aggregate classification (germline): Likely benign (0 of 4 stars; one submission).

Conditions:
NCOA1-related disorder. Also called: NCOA1-related condition.

gnomAD v4.1: 1 of 1,613,846 alleles (0.000062%); highest among the groups gnomAD compares: East Asian, 0.0022%; no homozygotes.

Submission:

PreventionGenetics, part of Exact Sciences
Classification: Likely benign for NCOA1-related condition. Last evaluated: 2022-08-10. Review status: no assertion criteria provided. Collection method: clinical testing. Allele origin: germline.
Comment: This variant is classified as likely benign based on ACMG/AMP sequence variant interpretation guidelines (Richards et al. 2015 PMID: 25741868, with internal and published modifications).